The following is an entry in ClinVar:

NM_182972.3(IRF2BP2):c.1253C>T (p.Ala418Val)

Gene: IRF2BP2 (interferon regulatory factor 2 binding protein 2; minus strand). Cytogenetic location: 1q42.3.
Variant type: single nucleotide variant.
Coding change: c.1253C>T on transcript NM_182972.3 (MANE Select); coding-DNA position 1253, C replaced by T.
Protein change: p.Ala418Val; replaces alanine 418 with valine.
Molecular consequence: missense variant.
Genome position (GRCh38, 1-based): chr1:234,607,648, G>A on the plus strand (C>T on the coding strand, the complement: IRF2BP2 is on the minus strand). VCF-style: chr1-234607648-G-A. GRCh37 (hg19) VCF-style: chr1-234743394-G-A.
Other names: c.1205C>T, p.Ala402Val (NM_001077397.1); short protein forms A402V, A418V.
Identifiers: ClinVar variation 3681918 (VCV003681918.2).
Genomic context (GRCh38, chr1:234,607,648, plus strand): 5'-CTGCCCCCTGCATTGTCTGCTACTAAGATCAGGGCTGCCATGGGGGACTGGCCATTCTGG[G>A]CCGCTTCAGGCGGTGTGGTCCGGTTGGAATGAGGTGAGGCAGTGGGTGGTGGCGGAGACA-3'
Protein context (NP_892017.2, residues 408-428): HSNRTTPPEA[Ala418Val]QNGQSPMAAL

ClinVar aggregate classification (germline): Uncertain significance (1 of 4 stars; one submission).

Submission:

Labcorp Genetics (formerly Invitae), Labcorp
Classification: Uncertain significance. Last evaluated: 2024-09-26. Review status: criteria provided, single submitter. Criteria: Invitae Variant Classification Sherloc (09022015). Collection method: clinical testing. Allele origin: germline.
Comment: This sequence change replaces alanine, which is neutral and non-polar, with valine, which is neutral and non-polar, at codon 418 of the IRF2BP2 protein (p.Ala418Val). This variant is not present in population databases (gnomAD no frequency). This variant has not been reported in the literature in individuals affected with IRF2BP2-related conditions. An algorithm developed to predict the effect of missense changes on protein structure and function (PolyPhen-2) suggests that this variant is likely to be disruptive. In summary, the available evidence is currently insufficient to determine the role of this variant in disease. Therefore, it has been classified as a Variant of Uncertain Significance.